The following is an entry in ClinVar:

NM_000038.6(APC):c.3515A>G (p.His1172Arg)

Gene: APC (APC regulator of Wnt signaling pathway; plus strand). Cytogenetic location: 5q22.2.
Variant type: single nucleotide variant.
Coding change: c.3515A>G on transcript NM_000038.6 (MANE Select); coding-DNA position 3515, A replaced by G.
Protein change: p.His1172Arg; replaces histidine 1172 with arginine.
Molecular consequence: missense variant.
Genome position (GRCh38, 1-based): chr5:112,839,109, A>G. VCF-style: chr5-112839109-A-G. GRCh37 (hg19) VCF-style: chr5-112174806-A-G.
Other names: c.3515A>G, p.His1172Arg (NM_001127510.3, NM_001354895.2); c.3461A>G, p.His1154Arg (NM_001127511.3); c.3569A>G, p.His1190Arg (NM_001354896.2); c.3545A>G, p.His1182Arg (NM_001354897.2); c.3440A>G, p.His1147Arg (NM_001354898.2); c.3431A>G, p.His1144Arg (NM_001354899.2); c.3392A>G, p.His1131Arg (NM_001354900.2); c.3338A>G, p.His1113Arg (NM_001354901.2); and 6 more; short protein forms H1012R, H1046R, H1071R, H1081R, H1113R, H1131R, H1144R, H1147R.
Identifiers: ClinVar variation 1021184 (VCV001021184.11), dbSNP rs1024630299, ClinGen allele CA16029053.

ClinVar aggregate classification (germline): Uncertain significance. Review status: criteria provided, multiple submitters, no conflicts (2 of 4 stars). 2 submissions from 2 submitters: Uncertain significance (2). Last evaluated 2025-10-28.

Conditions:
Hereditary cancer-predisposing syndrome. Also called: Hereditary Cancer Syndrome; Neoplastic Syndromes, Hereditary; Tumor predisposition; Hereditary neoplastic syndrome. Identifiers: Orphanet 140162, MedGen C0027672, MeSH D009386, MONDO:0015356.
Familial adenomatous polyposis 1 (FAP1). Also called: POLYPOSIS, ADENOMATOUS INTESTINAL; FAMILIAL ADENOMATOUS POLYPOSIS 1, ATTENUATED. Identifiers: MedGen C2713442, MONDO:0021056, OMIM 175100. Disease mechanism: loss of function.

Allele frequency attached by ClinVar (database versions not stated): gnomAD exomes below 0.00001.
gnomAD v4.1: 1 of 1,614,150 alleles (0.000062%); highest among the groups gnomAD compares: Non-Finnish European, 0.000085%; no homozygotes.

Submissions (2):

Ambry Genetics
Classification: Uncertain significance for Hereditary cancer-predisposing syndrome. Last evaluated: 2025-10-28. Review status: criteria provided, single submitter. Criteria: Ambry Variant Classification Scheme 2023. Collection method: clinical testing. Allele origin: germline.
Comment: The p.H1172R variant (also known as c.3515A>G), located in coding exon 15 of the APC gene, results from an A to G substitution at nucleotide position 3515. The histidine at codon 1172 is replaced by arginine, an amino acid with highly similar properties. This amino acid position is conserved. In addition, in silico predictors for this gene do not accurately predict pathogenicity. Based on the available evidence, the clinical significance of this variant remains unclear.

Labcorp Genetics (formerly Invitae), Labcorp
Classification: Uncertain significance for Familial adenomatous polyposis 1. Last evaluated: 2020-06-23. Review status: criteria provided, single submitter. Criteria: Invitae Variant Classification Sherloc (09022015). Collection method: clinical testing. Allele origin: germline.
Comment: This variant is not present in population databases (ExAC no frequency). In summary, the available evidence is currently insufficient to determine the role of this variant in disease. Therefore, it has been classified as a Variant of Uncertain Significance. Algorithms developed to predict the effect of missense changes on protein structure and function are either unavailable or do not agree on the potential impact of this missense change (SIFT: "Deleterious"; PolyPhen-2: "Benign"; Align-GVGD: "Class C0"). This variant has not been reported in the literature in individuals with APC-related conditions. This sequence change replaces histidine with arginine at codon 1172 of the APC protein (p.His1172Arg). The histidine residue is highly conserved and there is a small physicochemical difference between histidine and arginine.